The following is an entry in ClinVar:

NM_001127671.2(LIFR):c.*5125C>T

Gene: LIFR (LIF receptor subunit alpha; minus strand). Cytogenetic location: 5p13.1.
Variant type: single nucleotide variant.
Coding change: c.*5125C>T on transcript NM_001127671.2 (MANE Select); 5125 bases downstream of the stop codon, C replaced by T.
Molecular consequence: 3 prime UTR variant.
Genome position (GRCh38, 1-based): chr5:38,476,470, G>A on the plus strand (C>T on the coding strand, the complement: LIFR is on the minus strand). VCF-style: chr5-38476470-G-A. GRCh37 (hg19) VCF-style: chr5-38476572-G-A.
Other names: c.*5125C>T (NM_001364297.2, NM_001364298.2, NM_002310.6).
Identifiers: ClinVar variation 353539 (VCV000353539.5), dbSNP rs147202739, ClinGen allele CA10621813.

ClinVar aggregate classification (germline): Likely benign (1 of 4 stars; one submission).

Conditions:
Stuve-Wiedemann syndrome (STWS). Also called: Stüve-Wiedemann syndrome. Identifiers: Orphanet 3206, MedGen C0796176, MONDO:0031280.

Allele frequency attached by ClinVar (database versions not stated): gnomAD exomes 0.00030; 1000 Genomes Project 0.00180; 1000 Genomes Project 30x 0.00219; gnomAD 0.00250 and 0.00270; TOPMed 0.00269.
gnomAD v4.1: 398 of 208,792 alleles (0.19%); highest among the groups gnomAD compares: African/African-American, 0.82%; 3 homozygotes.

Submission:

Illumina Laboratory Services, Illumina
Classification: Likely benign for Stüve-Wiedemann syndrome 1. Last evaluated: 2018-01-13. Review status: criteria provided, single submitter. Criteria: ICSL Variant Classification Criteria 13 December 2019. Collection method: clinical testing. Allele origin: germline.
Comment: This variant was observed in the ICSL laboratory as part of a predisposition screen in an ostensibly healthy population. It had not been previously curated by ICSL or reported in the Human Gene Mutation Database (HGMD: prior to June 1st, 2018), and was therefore a candidate for classification through an automated scoring system. Utilizing variant allele frequency, disease prevalence and penetrance estimates, and inheritance mode, an automated score was calculated to assess if this variant is too frequent to cause the disease. Based on the score and internal cut-off values, a variant classified as likely benign is not then subjected to further curation. The score for this variant resulted in a classification of likely benign for this disease.